The following is an entry in ClinVar:

NM_015466.4(PTPN23):c.4795C>T (p.Arg1599Trp)

Gene: PTPN23 (protein tyrosine phosphatase non-receptor type 23; plus strand). Cytogenetic location: 3p21.31.
Variant type: single nucleotide variant.
Coding change: c.4795C>T on transcript NM_015466.4 (MANE Select); coding-DNA position 4795, C replaced by T.
Protein change: p.Arg1599Trp; replaces arginine 1599 with tryptophan.
Molecular consequence: missense variant.
Genome position (GRCh38, 1-based): chr3:47,413,069, C>T. VCF-style: chr3-47413069-C-T. GRCh37 (hg19) VCF-style: chr3-47454559-C-T.
Other names: c.4417C>T, p.Arg1473Trp (NM_001304482.2); c.4795C>T (NM_015466.2); short protein forms R1599W, R1473W.
Identifiers: ClinVar variation 1430346 (VCV001430346.5), dbSNP rs147706627, ClinGen allele CA2366709.
Genomic context (GRCh38, chr3:47,413,069, plus strand): 5'-TTGCTGGCCTCCTTGACCCCAGAGGCCTTCTCCCTGGACAGCTCCCTGCGGGGCAAACAG[C>T]GGATGAGCAAGCATAACTTTCTGCAGGCCCATAACGGGCAAGGGCTGCGGGCCACCCGGC-3'
Protein context (NP_056281.1, residues 1589-1609): SLDSSLRGKQ[Arg1599Trp]MSKHNFLQAH

ClinVar aggregate classification (germline): Uncertain significance. Review status: criteria provided, multiple submitters, no conflicts (2 of 4 stars). 2 submissions from 2 submitters: Uncertain significance (2). Last evaluated 2024-03-05.

Allele frequency attached by ClinVar (database versions not stated): ExAC 0.00002; TOPMed 0.00002; gnomAD 0.00004; ESP Exome Variant Server 0.00008.
gnomAD v4.1: 58 of 1,612,946 alleles (0.0036%); highest among the groups gnomAD compares: East Asian, 0.0067%; no homozygotes.

Submissions (2):

GeneDx
Classification: Uncertain significance. Last evaluated: 2024-03-05. Review status: criteria provided, single submitter. Criteria: GeneDx Variant Classification Process June 2021. Collection method: clinical testing. Allele origin: germline. Affected: yes.
Comment: In silico analysis supports that this missense variant has a deleterious effect on protein structure/function; Has not been previously reported as a pathogenic or benign germline variant to our knowledge

Labcorp Genetics (formerly Invitae), Labcorp
Classification: Uncertain significance. Last evaluated: 2024-01-19. Review status: criteria provided, single submitter. Criteria: Invitae Variant Classification Sherloc (09022015). Collection method: clinical testing. Allele origin: germline.
Comment: This sequence change replaces arginine, which is basic and polar, with tryptophan, which is neutral and slightly polar, at codon 1599 of the PTPN23 protein (p.Arg1599Trp). This variant is present in population databases (rs147706627, gnomAD 0.02%). This variant has not been reported in the literature in individuals affected with PTPN23-related conditions. ClinVar contains an entry for this variant (Variation ID: 1430346). Experimental studies and prediction algorithms are not available or were not evaluated, and the functional significance of this variant is currently unknown. In summary, the available evidence is currently insufficient to determine the role of this variant in disease. Therefore, it has been classified as a Variant of Uncertain Significance.